The following is an entry in ClinVar:

ClinVar aggregate classification (germline): Pathogenic/Likely pathogenic. Review status: criteria provided, multiple submitters, no conflicts (2 of 4 stars). 9 submissions from 9 submitters: Pathogenic (7); Likely pathogenic (1). 1 of the submissions does not count toward it. Last evaluated 2026-02-10.

Conditions:
ASPA-related disorder. Also called: ASPA-related condition.
Canavan Disease, Familial Form. Identifiers: MedGen C0751663.
Spongy degeneration of central nervous system. Also called: ASPA DEFICIENCY; ASPARTOACYLASE DEFICIENCY; ACY2 DEFICIENCY; AMINOACYLASE 2 DEFICIENCY; CANAVAN-VAN BOGAERT-BERTRAND DISEASE; ASP DEFICIENCY. Identifiers: Orphanet 141, MedGen C0206307, MONDO:0010079, OMIM 271900.

Allele frequency attached by ClinVar (database versions not stated): gnomAD exomes 0.00001 and 0.00002; ExAC 0.00001; gnomAD 0.00002; TOPMed 0.00001.
gnomAD v4.1: 27 of 1,613,866 alleles (0.0017%); highest among the groups gnomAD compares: Non-Finnish European, 0.002%; no homozygotes.

Submissions (9):

GeneDx
Classification: Pathogenic. Last evaluated: 2026-02-10. Review status: criteria provided, single submitter. Criteria: GeneDx Variant Classification Process June 2021. Collection method: clinical testing. Allele origin: germline. Affected: yes.
Comment: Observed in apparent homozygous state in individuals with Canavan disease and not observed in homozygous state in controls (PMID: 7668285, 22219087); Published functional studies demonstrate G274R results in significantly reduced, but not absent, ASPA activity (PMID: 17391648, 22850825); In silico analysis supports that this missense variant has a deleterious effect on protein structure/function; Not observed at significant frequency in large population cohorts (gnomAD); This variant is associated with the following publications: (PMID: 23233226, 31589614, 22850825, 7668285, 27457812, 17999961, 17194761, 10407784, 22219087, 31839386, 16138249, 17391648)

Labcorp Genetics (formerly Invitae), Labcorp
Classification: Pathogenic for Spongy degeneration of central nervous system. Last evaluated: 2026-01-24. Review status: criteria provided, single submitter. Criteria: Invitae Variant Classification Sherloc (09022015). Collection method: clinical testing. Allele origin: germline.
Comment: This sequence change replaces glycine, which is neutral and non-polar, with arginine, which is basic and polar, at codon 274 of the ASPA protein (p.Gly274Arg). This variant is present in population databases (rs761064915, gnomAD 0.002%). This missense change has been observed in individuals with Canavan disease (PMID: 7668285, 16138249, 22219087, 27457812). It has also been observed to segregate with disease in related individuals. ClinVar contains an entry for this variant (Variation ID: 188788). Invitae Evidence Modeling of protein sequence and biophysical properties (such as structural, functional, and spatial information, amino acid conservation, physicochemical variation, residue mobility, and thermodynamic stability) indicates that this missense variant is expected to disrupt ASPA protein function with a positive predictive value of 95%. Experimental studies have shown that this missense change affects ASPA function (PMID: 22850825). For these reasons, this variant has been classified as Pathogenic.

Natera, Inc.
Classification: Likely pathogenic for Canavan Disease. Last evaluated: 2025-10-22. Review status: criteria provided, single submitter. Criteria: Natera Variant Classification Schema (03/2026). Collection method: clinical testing. Allele origin: germline.
Comment: The c.820G>A variant in ASPA is a missense variant predicted to cause substitution of glycine to arginine at amino acid 274. This variant is rare in the general population with a frequency below the threshold expected for the associated phenotype(s). This variant has been observed in one or more individuals affected with the associated recessive disease, as either homozygous or compound heterozygous with a second variant (PMID: 7668285, 22219087). Additionally, this variant has been observed to segregate in affected family members (PMID: 22219087). Functional studies show that this variant may disrupt protein function (PMID: 17391648). Computational prediction algorithms indicate this variant is likely to affect gene or protein function. Given the available evidence, this variant is classified as Likely Pathogenic.

Victorian Clinical Genetics Services, Murdoch Childrens Research Institute
Classification: Pathogenic for Spongy degeneration of central nervous system. Last evaluated: 2024-10-09. Review status: criteria provided, single submitter. Criteria: ACMG Guidelines, 2015. Collection method: clinical testing. Allele origin: germline. Inheritance: Autosomal recessive inheritance. Affected: yes.
Comment: Based on the classification scheme VCGS_Germline_v1.3.4, this variant is classified as Pathogenic. Following criteria are met: 0102 - Loss of function is a known mechanism of disease in this gene and is associated with Canavan disease (MIM#271900). (I) 0106 - This gene is associated with autosomal recessive disease. (I) 0200 - Variant is predicted to result in a missense amino acid change from glycine to arginine. (I) 0251 - This variant is heterozygous. (I) 0304 - Variant is present in gnomAD <0.01 for a recessive condition (v3: 3 heterozygotes, 0 homozygotes). (SP) 0309 - An alternative amino acid change at the same position has been observed in gnomAD (v2: 1 heterozygote, 0 homozygotes). (I) 0501 - Missense variant consistently predicted to be damaging by multiple in silico tools or highly conserved with a major amino acid change. (SP) 0600 - Variant is located in the annotated Succinylglutamate desuccinylase / Aspartoacylase family domain. (I) 0704 - Another missense variant comparable to the one identified in this case has limited previous evidence for pathogenicity. p.(Gly274Glu) has been reported as likely pathogenic by a diagnostic laboratory in ClinVar. (SP) 0801 - This variant has strong previous evidence of pathogenicity in unrelated individuals. It has been reported in at least 5 families with affected homozygotes (PMID: 7668285, 16138249, 22219087, 27457812, 31839386). In addition, it has been classified as likely pathogenic/pathogenic by diagnostic laboratories in ClinVar. (SP) 1201 - Heterozygous variant detected in trans with a likely pathogenic heterozygous complex structural variant in a recessive disease. (I) Legend: (SP) - Supporting pathogenic, (I) - Information, (SB) - Supporting benign

Women's Health and Genetics/Laboratory Corporation of America, LabCorp
Classification: Pathogenic for Canavan Disease, Familial Form. Last evaluated: 2022-11-10. Review status: criteria provided, single submitter. Criteria: LabCorp Variant Classification Summary - May 2015. Collection method: clinical testing. Allele origin: germline.
Comment: Variant summary: ASPA c.820G>A (p.Gly274Arg) results in a non-conservative amino acid change in the encoded protein sequence. Five of five in-silico tools predict a damaging effect of the variant on protein function. The variant allele was found at a frequency of 8e-06 in 251168 control chromosomes (gnomAD). c.820G>A has been reported in the literature in multiple homozygous individuals affected with Canavan Disease (Shaag_1995, Tacke_2005, Hussain_2012, Cakar_2020). In addition, in one Pakistani family, the variant co-segregated with the disease (Hussain_2012). These data indicate that the variant is very likely to be associated with disease. At least one functional study reports this variant results in decreasing normal aspartoacylase activity and conformational stability (Zano_2013). Three ClinVar submitters (evaluation after 2014) cite the variant as pathogenic. Based on the evidence outlined above, the variant was classified as pathogenic.

Fulgent Genetics
Classification: Pathogenic for Spongy degeneration of central nervous system. Last evaluated: 2022-03-26. Review status: criteria provided, single submitter. Criteria: ACMG Guidelines, 2015. Collection method: clinical testing. Allele origin: unknown.

Genome-Nilou Lab
Classification: Pathogenic for Spongy degeneration of central nervous system. Last evaluated: 2021-11-07. Review status: criteria provided, single submitter. Criteria: ACMG Guidelines, 2015. Collection method: clinical testing. Allele origin: germline. Affected: no.

Blueprint Genetics
Classification: Pathogenic for ASPA-related disorders. Last evaluated: 2019-10-31. Review status: criteria provided, single submitter. Criteria: ACMG Guidelines, 2015. Collection method: clinical testing. Allele origin: germline. Affected: yes. Observed: 2 variant alleles.

Counsyl
Classification: Likely pathogenic for Spongy degeneration of central nervous system. Last evaluated: 2014-05-16. Review status: no assertion criteria provided. Collection method: literature only. Allele origin: unknown. Inheritance: Autosomal recessive inheritance. Not counted in ClinVar's aggregate classification.

Literature cited by the submitters: PubMed 7668285 (cited by 5 submitters); PubMed 16138249 (cited by 4 submitters); PubMed 22219087 (cited by 5 submitters); PubMed 27457812 (cited by Labcorp Genetics (formerly Invitae), Labcorp and Victorian Clinical Genetics Services, Murdoch Childrens Research Institute); PubMed 22850825 (cited by 3 submitters); PubMed 17391648 (cited by Natera, Inc. and Counsyl); PubMed 31839386 (cited by Victorian Clinical Genetics Services, Murdoch Childrens Research Institute and Women's Health and Genetics/Laboratory Corporation of America, LabCorp); PubMed 23233226 (cited by Women's Health and Genetics/Laboratory Corporation of America, LabCorp and Counsyl); PubMed 17194761 (cited by Counsyl); PubMed 17999961 (cited by Counsyl); PubMed 10407784 (cited by Counsyl).

NM_000049.4(ASPA):c.820G>A (p.Gly274Arg)

Genes: SPATA22 (spermatogenesis associated 22; minus strand), ASPA (aspartoacylase; plus strand). Cytogenetic location: 17p13.2.
Variant type: single nucleotide variant.
Coding change: c.820G>A on transcript NM_000049.4 (MANE Select); coding-DNA position 820, G replaced by A.
Protein change: p.Gly274Arg; replaces glycine 274 with arginine.
Molecular consequence: missense variant. On other transcripts: intron variant (2).
Genome position (GRCh38, 1-based): chr17:3,498,966, G>A. VCF-style: chr17-3498966-G-A. GRCh37 (hg19) VCF-style: chr17-3402260-G-A.
Other names: c.820G>A, p.Gly274Arg (NM_001128085.1); c.-74+14446C>T (NM_001321336.2, NM_001321337.2); short protein forms G274R.
Identifiers: ClinVar variation 188788 (VCV000188788.59), dbSNP rs761064915, ClinGen allele CA273959.